The following is an entry in ClinVar:

ClinVar aggregate classification (germline): Uncertain significance (1 of 4 stars; one submission).

Submission:

GeneDx
Classification: Uncertain significance. Last evaluated: 2022-01-12. Review status: criteria provided, single submitter. Criteria: GeneDx Variant Classification Process June 2021. Collection method: clinical testing. Allele origin: germline. Affected: yes.
Comment: Not observed at significant frequency in large population cohorts (gnomAD); In silico analysis supports that this missense variant has a deleterious effect on protein structure/function; Has not been previously published as pathogenic or benign to our knowledge

NM_000168.6(GLI3):c.2134T>C (p.Ser712Pro)

Gene: GLI3 (GLI family zinc finger 3; minus strand). Cytogenetic location: 7p14.1.
Variant type: single nucleotide variant.
Coding change: c.2134T>C on transcript NM_000168.6 (MANE Select); coding-DNA position 2134, T replaced by C.
Protein change: p.Ser712Pro; replaces serine 712 with proline.
Molecular consequence: missense variant.
Genome position (GRCh38, 1-based): chr7:41,967,893, A>G on the plus strand (T>C on the coding strand, the complement: GLI3 is on the minus strand). VCF-style: chr7-41967893-A-G. GRCh37 (hg19) VCF-style: chr7-42007491-A-G.
Other names: short protein forms S712P.
Identifiers: ClinVar variation 1696887 (VCV001696887.2), dbSNP rs2128707312, ClinGen allele CA367321733.